The following is an entry in ClinVar:

ClinVar aggregate classification (germline): Likely pathogenic. Review status: criteria provided, multiple submitters, no conflicts (2 of 4 stars). 2 submissions from 2 submitters: Likely pathogenic (2). Last evaluated 2025-12-03.

Conditions:
HBA2-related disorders.
alpha Thalassemia. Also called: Alpha thalassemia spectrum. Identifiers: Orphanet 846, MedGen C0002312, MONDO:0011399, OMIM 604131.

Submissions (2):

Natera, Inc.
Classification: Likely pathogenic for Alpha thalassemia. Last evaluated: 2025-12-03. Review status: criteria provided, single submitter. Criteria: Natera Variant Classification Schema (03/2026). Collection method: clinical testing. Allele origin: germline.
Comment: The c.130T>C variant in HBA2 is a missense variant predicted to cause substitution of phenylalanine to leucine at amino acid 44. This variant is rare in the general population with a frequency below the threshold expected for the associated phenotype(s). Another variant at this same site results in an alteration predicted to cause a similar molecular effect has been observed in individual(s) with the associated phenotype. Computational prediction algorithms indicate this variant is likely to affect gene or protein function. Given the available evidence, this variant is classified as Likely Pathogenic.

Blueprint Genetics
Classification: Likely pathogenic for HBA2-related disorders. Last evaluated: 2023-01-11. Review status: criteria provided, single submitter. Criteria: ACMG Guidelines, 2015. Collection method: clinical testing. Allele origin: germline. Affected: yes. Observed: 1 variant allele.

NM_000517.6(HBA2):c.130T>C (p.Phe44Leu)

Genes: HBA2 (hemoglobin subunit alpha 2; plus strand), LOC106804612 (hemoglobin subunit alpha 2 recombination region; plus strand). Cytogenetic location: 16p13.3.
Variant type: single nucleotide variant.
Coding change: c.130T>C on transcript NM_000517.6 (MANE Select); coding-DNA position 130, T replaced by C.
Protein change: p.Phe44Leu; replaces phenylalanine 44 with leucine.
Molecular consequence: missense variant.
Genome position (GRCh38, 1-based): chr16:173,159, T>C. VCF-style: chr16-173159-T-C. GRCh37 (hg19) VCF-style: chr16-223158-T-C.
Other names: short protein forms F44L.
Identifiers: ClinVar variation 4818620 (VCV004818620.2).